The following is an entry in ClinVar:

ClinVar aggregate classification (germline): Benign (0 of 4 stars; one submission).

Conditions:
KRT75-related disorder. Also called: KRT75-related condition.

Allele frequency attached by ClinVar (database versions not stated): ESP Exome Variant Server 0.10172; gnomAD 0.11693; TOPMed 0.11809; ExAC 0.12581; 1000 Genomes Project 30x 0.12836; 1000 Genomes Project 0.12919.
gnomAD v4.1: 186,821 of 1,614,020 alleles (12%); highest among the groups gnomAD compares: Admixed American, 23%; 11,734 homozygotes.

Submission:

PreventionGenetics, part of Exact Sciences
Classification: Benign for KRT75-related condition. Last evaluated: 2019-10-23. Review status: no assertion criteria provided. Collection method: clinical testing. Allele origin: germline.
Comment: This variant is classified as benign based on ACMG/AMP sequence variant interpretation guidelines (Richards et al. 2015 PMID: 25741868, with internal and published modifications).

NM_004693.3(KRT75):c.349C>G (p.Pro117Ala)

Gene: KRT75 (keratin 75; minus strand). Cytogenetic location: 12q13.13.
Variant type: single nucleotide variant.
Coding change: c.349C>G on transcript NM_004693.3 (MANE Select); coding-DNA position 349, C replaced by G.
Protein change: p.Pro117Ala; replaces proline 117 with alanine.
Molecular consequence: missense variant.
Genome position (GRCh38, 1-based): chr12:52,433,956, G>C on the plus strand (C>G on the coding strand, the complement: KRT75 is on the minus strand). VCF-style: chr12-52433956-G-C. GRCh37 (hg19) VCF-style: chr12-52827740-G-C.
Other names: short protein forms P117A.
Identifiers: ClinVar variation 3060046 (VCV003060046.2), dbSNP rs2232386, ClinGen allele CA6580172.